The following is an entry in ClinVar:

ClinVar aggregate classification (germline): Uncertain significance. Review status: criteria provided, multiple submitters, no conflicts (2 of 4 stars). 2 submissions from 2 submitters: Uncertain significance (2). Last evaluated 2024-12-01.

Allele frequency attached by ClinVar (database versions not stated): TOPMed below 0.00001; gnomAD 0.00001; gnomAD exomes 0.00001 and 0.00003; ExAC 0.00002.
gnomAD v4.1: 41 of 1,614,012 alleles (0.0025%); highest among the groups gnomAD compares: East Asian, 0.0045%; no homozygotes.

Submissions (2):

Mayo Clinic Laboratories, Mayo Clinic
Classification: Uncertain significance. Last evaluated: 2024-12-01. Review status: criteria provided, single submitter. Criteria: ACMG Guidelines, 2015. Collection method: clinical testing. Allele origin: germline. Observed: 2 variant alleles.
Comment: BP4

Labcorp Genetics (formerly Invitae), Labcorp
Classification: Uncertain significance. Last evaluated: 2021-04-14. Review status: criteria provided, single submitter. Criteria: Invitae Variant Classification Sherloc (09022015). Collection method: clinical testing. Allele origin: germline.
Comment: In summary, the available evidence is currently insufficient to determine the role of this variant in disease. Therefore, it has been classified as a Variant of Uncertain Significance. Algorithms developed to predict the effect of missense changes on protein structure and function (SIFT, PolyPhen-2, Align-GVGD) all suggest that this variant is likely to be tolerated, but these predictions have not been confirmed by published functional studies and their clinical significance is uncertain. This variant has not been reported in the literature in individuals with MCM3AP-related conditions. This variant is present in population databases (rs767783662, ExAC 0.003%). This sequence change replaces glycine with glutamic acid at codon 1943 of the MCM3AP protein (p.Gly1943Glu). The glycine residue is moderately conserved and there is a moderate physicochemical difference between glycine and glutamic acid.

NM_003906.5(MCM3AP):c.5828G>A (p.Gly1943Glu)

Genes: MCM3AP (minichromosome maintenance complex component 3 associated protein; minus strand), MCM3AP-AS1 (MCM3AP antisense RNA 1; plus strand). Cytogenetic location: 21q22.3.
Variant type: single nucleotide variant.
Coding change: c.5828G>A on transcript NM_003906.5 (MANE Select); coding-DNA position 5828, G replaced by A.
Protein change: p.Gly1943Glu; replaces glycine 1943 with glutamic acid.
Molecular consequence: missense variant.
Genome position (GRCh38, 1-based): chr21:46,235,383, C>T on the plus strand (G>A on the coding strand, the complement: MCM3AP is on the minus strand). VCF-style: chr21-46235383-C-T. GRCh37 (hg19) VCF-style: chr21-47655297-C-T.
Other names: p.Gly1943Glu; short protein forms G1943E.
Identifiers: ClinVar variation 1345230 (VCV001345230.10), dbSNP rs767783662, ClinGen allele CA10075724.
Genomic context (GRCh38, chr21:46,235,383, plus strand): 5'-TCTTCCCTTGAACTCCGGATCAGCCTTTCCAGGTGCTTTAGTCGTTCGCCTAGACACGTT[C>T]CTGTCGCCTCTGACAGCTGCAGTTGCTCCCTCATCATGTCACTCTATTTGAATAAAAAAG-3'
Protein context (NP_003897.2, residues 1933-1953): REQLQLSEAT[Gly1943Glu]TCLGERLKHL